The following is an entry in ClinVar:

ClinVar aggregate classification (germline): Pathogenic (1 of 4 stars; one submission).

Submission:

GeneDx
Classification: Pathogenic. Last evaluated: 2017-06-21. Review status: criteria provided, single submitter. Criteria: GeneDx Variant Classification (06012015). Collection method: clinical testing. Allele origin: germline. Affected: yes.
Comment: The c.2021delG pathogenic variant in the IQSEC2 gene causes a frameshift starting with codon Glycine 674, changes this amino acid to a Valine residue and creates a premature stop codon at position 48 of the new reading frame, denoted p.G674VfsX48. This pathogenic variant is predicted to cause loss of normal protein function either through protein truncation or nonsense-mediated mRNA decay. The c.2021delG variant is not observed in large population cohorts (Lek et al., 2016; 1000 Genomes Consortium et al., 2015; Exome Variant Server).

NM_001111125.3(IQSEC2):c.2021del (p.Gly674fs)

Gene: IQSEC2 (IQ motif and Sec7 domain ArfGEF 2; minus strand). Cytogenetic location: Xp11.22.
Variant type: Deletion.
Coding change: c.2021del on transcript NM_001111125.3 (MANE Select); coding-DNA position 2021, one base deleted (G; older notation c.2021delG).
Protein change: p.Gly674fs; shifts the reading frame from glycine 674.
Molecular consequence: frameshift variant.
Genome position (GRCh38, 1-based): chrX:53,250,555, C deleted on the plus strand (G on the coding strand, the reverse complement: IQSEC2 is on the minus strand); the first of 2 consecutive C bases (chrX:53,250,555-53,250,556); deleting either gives the same sequence. VCF-style (leftmost placement, unchanged base first): chrX-53250554-AC-A. GRCh37 (hg19) VCF-style: chrX-53279736-AC-A.
Other names: c.1406del, p.Gly469fs (NM_015075.2); short protein forms G469fs, G674fs.
Identifiers: ClinVar variation 432909 (VCV000432909.2), dbSNP rs1556863090, ClinGen allele CA645373298.